The following is an entry in ClinVar:

ClinVar aggregate classification (germline): Uncertain significance (1 of 4 stars; one submission).

Conditions:
5-Oxoprolinase deficiency (OPLAHD). Also called: 5-OXOPROLINURIA DUE TO 5-OXOPROLINASE DEFICIENCY. Identifiers: Orphanet 33572, MedGen C0268525, MONDO:0009825, OMIM 260005, HP:0040142.

Allele frequency attached by ClinVar (database versions not stated): ExAC 0.00001; gnomAD 0.00003; TOPMed 0.00003.
gnomAD v4.1: 29 of 1,602,540 alleles (0.0018%); highest among the groups gnomAD compares: East Asian, 0.0068%; no homozygotes.

Submission:

Labcorp Genetics (formerly Invitae), Labcorp
Classification: Uncertain significance for 5-Oxoprolinase deficiency. Last evaluated: 2025-07-07. Review status: criteria provided, single submitter. Criteria: Invitae Variant Classification Sherloc (09022015). Collection method: clinical testing. Allele origin: germline.
Comment: This sequence change replaces proline, which is neutral and non-polar, with leucine, which is neutral and non-polar, at codon 290 of the OPLAH protein (p.Pro290Leu). The frequency data for this variant in the population databases is considered unreliable, as metrics indicate poor data quality at this position in the gnomAD database. This variant has not been reported in the literature in individuals affected with OPLAH-related conditions. ClinVar contains an entry for this variant (Variation ID: 2067682). An algorithm developed to predict the effect of missense changes on protein structure and function (PolyPhen-2) suggests that this variant is likely to be disruptive. In summary, the available evidence is currently insufficient to determine the role of this variant in disease. Therefore, it has been classified as a Variant of Uncertain Significance.

NM_017570.5(OPLAH):c.869C>T (p.Pro290Leu)

Gene: OPLAH (5-oxoprolinase, ATP-hydrolysing; minus strand). Cytogenetic location: 8q24.3.
Variant type: single nucleotide variant.
Coding change: c.869C>T on transcript NM_017570.5 (MANE Select); coding-DNA position 869, C replaced by T.
Protein change: p.Pro290Leu; replaces proline 290 with leucine.
Molecular consequence: missense variant.
Genome position (GRCh38, 1-based): chr8:144,058,319, G>A on the plus strand (C>T on the coding strand, the complement: OPLAH is on the minus strand). VCF-style: chr8-144058319-G-A. GRCh37 (hg19) VCF-style: chr8-145113222-G-A.
Other names: short protein forms P290L.
Identifiers: ClinVar variation 2067682 (VCV002067682.2), dbSNP rs782022628, ClinGen allele CA4932117.
Genomic context (GRCh38, chr8:144,058,319, plus strand): 5'-ACAGGCTGGCCACCCTCCTGCTGGTAGGTGGTGGCTGAGTAGCCCACCACGCCGCCGGCC[G>A]GGCCCGAGAGCACAGCACTGGAGCCGCTGAAGGTGTCCATGGGCGCCAGGCCGCCATCGG-3'
Protein context (NP_060040.1, residues 280-300): FSGSSAVLSG[Pro290Leu]AGGVVGYSAT